The following is an entry in ClinVar:

NM_000169.3(GLA):c.983G>A (p.Gly328Glu)

Genes: GLA (galactosidase alpha; minus strand), RPL36A-HNRNPH2 (RPL36A-HNRNPH2 readthrough; plus strand). Cytogenetic location: Xq22.1.
Variant type: single nucleotide variant.
Coding change: c.983G>A on transcript NM_000169.3 (MANE Select); coding-DNA position 983, G replaced by A.
Protein change: p.Gly328Glu; replaces glycine 328 with glutamic acid.
Molecular consequence: missense variant. On other transcripts: non-coding transcript variant (3), intron variant (2).
Genome position (GRCh38, 1-based): chrX:101,398,386, C>T on the plus strand (G>A on the coding strand, the complement: GLA is on the minus strand). VCF-style: chrX-101398386-C-T. GRCh37 (hg19) VCF-style: chrX-100653374-C-T.
Other names: c.1106G>A, p.Gly369Glu (NM_001406747.1); c.983G>A, p.Gly328Glu (NM_001406748.1); c.300+2929C>T (NM_001199973.2); c.177+6564C>T (NM_001199974.2); short protein forms G369E, G328E.
Identifiers: ClinVar variation 2138661 (VCV002138661.7), dbSNP rs28935492, ClinGen allele CA413921320.
Genomic context (GRCh38, chrX:101,398,386, plus strand): 5'-TATTGGGTATATAAAGCCATCTTAAAATATATACTCTTATTTACCTGTCTAAGCTGGTAC[C>T]CTTGCTTGCCCAAGGGGTCCTGATTGATGGCAATTACGTCCTTATCCTGAAGGAGAGCTT-3'
Protein context (NP_000160.1, residues 318-338): AINQDPLGKQ[Gly328Glu]YQLRQGDNFE

ClinVar aggregate classification (germline): Pathogenic/Likely pathogenic. Review status: criteria provided, multiple submitters, no conflicts (2 of 4 stars). 3 submissions from 3 submitters: Pathogenic (1); Likely pathogenic (2). Last evaluated 2026-09-08.

Conditions:
Fabry disease. Also called: Fabry's disease; GLA DEFICIENCY; HEREDITARY DYSTOPIC LIPIDOSIS; ANDERSON-FABRY DISEASE; CERAMIDE TRIHEXOSIDASE DEFICIENCY; Ceramide trihexosidosis. Identifiers: Orphanet 324, MedGen C0002986, MONDO:0010526, OMIM 301500, HP:0001071. Disease mechanism: loss of function, Fabry disease is due to inactivating mutations in the X-linked GLA gene resulting in deficiency of the enzyme Alpha Galactosidase-A..

Submissions (3):

Genomenon, Inc
Classification: Likely pathogenic for Fabry disease. Last evaluated: 2026-09-08. Review status: criteria provided, single submitter. Criteria: Genomenon Sequence Variant Interpretation Standards - Updated. Collection method: curation. Allele origin: germline. Affected: yes.
Comment: GLA p.Gly328Glu (c.983G>A) is a missense variant that changes the amino acid at codon 328 from Glycine to Glutamic acid. This variant has been observed in at least one proband with clinical features consistent with Fabry disease (PMID:25974833). At least one functional study has demonstrated a substantial alteration in protein function relative to the wild-type (PMID:27657681). It is absent or not present at a significant frequency in gnomAD. In silico models predict that this variant is possibly or probably damaging. In conclusion, we classify GLA p.Gly328Glu (c.983G>A) as a likely pathogenic variant.

Labcorp Genetics (formerly Invitae), Labcorp
Classification: Pathogenic for Fabry disease. Last evaluated: 2025-09-02. Review status: criteria provided, single submitter. Criteria: Invitae Variant Classification Sherloc (09022015). Collection method: clinical testing. Allele origin: germline.
Comment: This sequence change replaces glycine, which is neutral and non-polar, with glutamic acid, which is acidic and polar, at codon 328 of the GLA protein (p.Gly328Glu). This variant is not present in population databases (gnomAD no frequency). This missense change has been observed in individual(s) with clinical features of Fabry disease (PMID: 25795794; internal data). ClinVar contains an entry for this variant (Variation ID: 2138661). Invitae Evidence Modeling of protein sequence and biophysical properties (such as structural, functional, and spatial information, amino acid conservation, physicochemical variation, residue mobility, and thermodynamic stability) indicates that this missense variant is expected to disrupt GLA protein function with a positive predictive value of 80%. This variant disrupts the p.Gly328 amino acid residue in GLA. Other variant(s) that disrupt this residue have been determined to be pathogenic (PMID: 7504405, 16595074, 27834756). This suggests that this residue is clinically significant, and that variants that disrupt this residue are likely to be disease-causing. For these reasons, this variant has been classified as Pathogenic.

Women's Health and Genetics/Laboratory Corporation of America, LabCorp
Classification: Likely pathogenic for Fabry disease. Last evaluated: 2023-04-19. Review status: criteria provided, single submitter. Criteria: LabCorp Variant Classification Summary - May 2015. Collection method: clinical testing. Allele origin: germline.
Comment: Variant summary: GLA c.983G>A (p.Gly328Glu) results in a non-conservative amino acid change located in the C-terminal beta-sandwich domain (IPR035373) of the encoded protein sequence. Five of five in-silico tools predict a damaging effect of the variant on protein function. However, these predictions have yet to be confirmed by functional studies. The variant was absent in 183458 control chromosomes (gnomAD). c.983G>A has been reported in the literature in at least one hemizygous male and two heterozygous females affected with Fabry Disease (e.g. Germain_2010, Germain_2015, Echevarria_2015). These data indicate that the variant may be associated with disease. One clinical diagnostic laboratory has submitted clinical-significance assessments for this variant to ClinVar after 2014 and classified the variant as likely pathogenic. Additionally, missense variants impacting the same amino acid, p.G328R/A/V, have been reported in association with Fabry disease (HGMD). Based on the evidence outlined above, the variant was classified as likely pathogenic.

Literature cited by the submitters: PubMed 25974833 (cited by Genomenon, Inc and Women's Health and Genetics/Laboratory Corporation of America, LabCorp); PubMed 27657681 (cited by Genomenon, Inc); PubMed 25795794 (cited by Labcorp Genetics (formerly Invitae), Labcorp and Women's Health and Genetics/Laboratory Corporation of America, LabCorp); PubMed 7504405 (cited by Labcorp Genetics (formerly Invitae), Labcorp); PubMed 16595074 (cited by Labcorp Genetics (formerly Invitae), Labcorp); PubMed 27834756 (cited by Labcorp Genetics (formerly Invitae), Labcorp); PubMed 21092187 (cited by Women's Health and Genetics/Laboratory Corporation of America, LabCorp).